The following is an entry in ClinVar:

ClinVar aggregate classification (germline): Uncertain significance (1 of 4 stars; one submission).

Conditions:
Joubert syndrome. Also called: CEREBELLOPARENCHYMAL DISORDER IV; JOUBERT-BOLTSHAUSER SYNDROME; Familial aplasia of the vermis. Identifiers: Orphanet 475, MedGen C5979921, MONDO:0018772.
Meckel-Gruber syndrome. Also called: DYSENCEPHALIA SPLANCHNOCYSTICA; GRUBER SYNDROME; Dysencephalia splachnocystica. Identifiers: Orphanet 564, MedGen C0265215, MONDO:0018921.

Submission:

Labcorp Genetics (formerly Invitae), Labcorp
Classification: Uncertain significance for Joubert syndrome; Meckel-Gruber syndrome. Last evaluated: 2022-01-27. Review status: criteria provided, single submitter. Criteria: Invitae Variant Classification Sherloc (09022015). Collection method: clinical testing. Allele origin: germline.
Comment: In summary, the available evidence is currently insufficient to determine the role of this variant in disease. Therefore, it has been classified as a Variant of Uncertain Significance. Algorithms developed to predict the effect of missense changes on protein structure and function output the following: SIFT: "Tolerated"; PolyPhen-2: "Benign"; Align-GVGD: "Class C0". The valine amino acid residue is found in multiple mammalian species, which suggests that this missense change does not adversely affect protein function. This variant has not been reported in the literature in individuals affected with TCTN2-related conditions. This variant is not present in population databases (gnomAD no frequency). This sequence change replaces alanine, which is neutral and non-polar, with valine, which is neutral and non-polar, at codon 254 of the TCTN2 protein (p.Ala254Val).

NM_024809.5(TCTN2):c.761C>T (p.Ala254Val)

Gene: TCTN2 (tectonic family member 2; plus strand). Cytogenetic location: 12q24.31.
Variant type: single nucleotide variant.
Coding change: c.761C>T on transcript NM_024809.5 (MANE Select); coding-DNA position 761, C replaced by T.
Protein change: p.Ala254Val; replaces alanine 254 with valine.
Molecular consequence: missense variant.
Genome position (GRCh38, 1-based): chr12:123,687,032, C>T. VCF-style: chr12-123687032-C-T. GRCh37 (hg19) VCF-style: chr12-124171579-C-T.
Other names: c.758C>T, p.Ala253Val (NM_001143850.3); c.761C>T, p.Ala254Val (NM_001410989.1); short protein forms A253V, A254V.
Identifiers: ClinVar variation 2090180 (VCV002090180.4), dbSNP rs2541773310, ClinGen allele CA387162365.